The following is an entry in ClinVar:

ClinVar aggregate classification (germline): Uncertain significance (1 of 4 stars; one submission).

Conditions:
Early-infantile DEE. Also called: Early infantile epileptic encephalopathy; Early infantile epileptic encephalopathy with suppression bursts; Ohtahara syndrome. Identifiers: Orphanet 1934, MedGen C0393706, MONDO:0800491.

Submission:

Labcorp Genetics (formerly Invitae), Labcorp
Classification: Uncertain significance for Early-infantile DEE. Last evaluated: 2024-07-03. Review status: criteria provided, single submitter. Criteria: Invitae Variant Classification Sherloc (09022015). Collection method: clinical testing. Allele origin: germline.
Comment: The SCN8A gene has multiple clinically relevant transcripts. This variant occurs in alternate transcript NM_001330260.1, and corresponds to NM_014191.3:c.706+181G>A in the primary transcript. This sequence change replaces glycine, which is neutral and non-polar, with serine, which is neutral and polar, at codon 214 of the SCN8A protein (p.Gly214Ser). This variant is not present in population databases (gnomAD no frequency). This variant has not been reported in the literature in individuals affected with SCN8A-related conditions. ClinVar contains an entry for this variant (Variation ID: 530642). Experimental studies and prediction algorithms are not available or were not evaluated, and the functional significance of this variant is currently unknown. Algorithms developed to predict the effect of sequence changes on RNA splicing suggest that this variant is not likely to affect RNA splicing. In summary, the available evidence is currently insufficient to determine the role of this variant in disease. Therefore, it has been classified as a Variant of Uncertain Significance.

NM_001330260.2(SCN8A):c.640G>A (p.Gly214Ser)

Gene: SCN8A (sodium voltage-gated channel alpha subunit 8; plus strand). Cytogenetic location: 12q13.13.
Variant type: single nucleotide variant.
Coding change: c.640G>A on transcript NM_001330260.2 (MANE Select); coding-DNA position 640, G replaced by A.
Protein change: p.Gly214Ser; replaces glycine 214 with serine.
Molecular consequence: missense variant. On other transcripts: intron variant (2).
Genome position (GRCh38, 1-based): chr12:51,689,030, G>A. VCF-style: chr12-51689030-G-A. GRCh37 (hg19) VCF-style: chr12-52082814-G-A.
Other names: c.640G>A, p.Gly214Ser (NM_001369788.1); c.706+181G>A (NM_014191.4, NM_001177984.3); short protein forms G214S.
Identifiers: ClinVar variation 530642 (VCV000530642.9), dbSNP rs1555217386, ClinGen allele CA385224491.